The following is an entry in ClinVar:

NM_001377458.1(CLCC1):c.1594A>G (p.Ser532Gly)

Gene: CLCC1 (chloride channel CLIC like 1; minus strand). Cytogenetic location: 1p13.3.
Variant type: single nucleotide variant.
Coding change: c.1594A>G on transcript NM_001377458.1 (MANE Select); coding-DNA position 1594, A replaced by G.
Protein change: p.Ser532Gly; replaces serine 532 with glycine.
Molecular consequence: missense variant. On other transcripts: non-coding transcript variant (1).
Genome position (GRCh38, 1-based): chr1:108,934,732, T>C on the plus strand (A>G on the coding strand, the complement: CLCC1 is on the minus strand). VCF-style: chr1-108934732-T-C. GRCh37 (hg19) VCF-style: chr1-109477354-T-C.
Other names: c.1594A>G, p.Ser532Gly (NM_001048210.3, NM_001377459.1, NM_001377460.1 and 8 more transcripts); c.1231A>G, p.Ser411Gly (NM_001278202.2); c.1039A>G, p.Ser347Gly (NM_001278203.1); c.1492A>G, p.Ser498Gly (NM_001377469.1); c.1303A>G, p.Ser435Gly (NM_001377470.1); c.1444A>G, p.Ser482Gly (NM_015127.5); c.1594A>G (NM_001048210.1); short protein forms S347G, S411G, S532G, S435G, S482G, S498G.
Identifiers: ClinVar variation 1414324 (VCV001414324.7), dbSNP rs375876709, ClinGen allele CA983293.

ClinVar aggregate classification (germline): Uncertain significance. Review status: criteria provided, multiple submitters, no conflicts (2 of 4 stars). 2 submissions from 2 submitters: Uncertain significance (2). Last evaluated 2025-11-25.

Allele frequency attached by ClinVar (database versions not stated): ExAC 0.00003; gnomAD 0.00011; ESP Exome Variant Server 0.00008; 1000 Genomes Project 30x 0.00016; 1000 Genomes Project 0.00020; TOPMed 0.00009.
gnomAD v4.1: 22 of 1,614,188 alleles (0.0014%); highest among the groups gnomAD compares: African/African-American, 0.029%; 1 homozygote.

Submissions (2):

Ambry Genetics
Classification: Uncertain significance. Last evaluated: 2025-11-25. Review status: criteria provided, single submitter. Criteria: Ambry Variant Classification Scheme 2023. Collection method: clinical testing. Allele origin: germline.

Labcorp Genetics (formerly Invitae), Labcorp
Classification: Uncertain significance. Last evaluated: 2022-07-15. Review status: criteria provided, single submitter. Criteria: Invitae Variant Classification Sherloc (09022015). Collection method: clinical testing. Allele origin: germline.
Comment: This sequence change replaces serine, which is neutral and polar, with glycine, which is neutral and non-polar, at codon 532 of the CLCC1 protein (p.Ser532Gly). This variant is present in population databases (rs375876709, gnomAD 0.04%). This variant has not been reported in the literature in individuals affected with CLCC1-related conditions. ClinVar contains an entry for this variant (Variation ID: 1414324). Algorithms developed to predict the effect of missense changes on protein structure and function output the following: SIFT: "Tolerated"; PolyPhen-2: "Benign"; Align-GVGD: "Class C0". The glycine amino acid residue is found in multiple mammalian species, which suggests that this missense change does not adversely affect protein function. In summary, the available evidence is currently insufficient to determine the role of this variant in disease. Therefore, it has been classified as a Variant of Uncertain Significance.